The following is an entry in ClinVar:

ClinVar aggregate classification (germline): Uncertain significance (1 of 4 stars; one submission).

Allele frequency attached by ClinVar (database versions not stated): gnomAD exomes 0.00001 and 0.00002; ExAC 0.00002.
gnomAD v4.1: 17 of 1,613,736 alleles (0.0011%); highest among the groups gnomAD compares: Middle Eastern, 0.016%; no homozygotes.

Submission:

Labcorp Genetics (formerly Invitae), Labcorp
Classification: Uncertain significance. Last evaluated: 2023-07-21. Review status: criteria provided, single submitter. Criteria: Invitae Variant Classification Sherloc (09022015). Collection method: clinical testing. Allele origin: germline.
Comment: This variant has not been reported in the literature in individuals affected with PCLO-related conditions. ClinVar contains an entry for this variant (Variation ID: 1397677). Experimental studies and prediction algorithms are not available or were not evaluated, and the functional significance of this variant is currently unknown. In summary, the available evidence is currently insufficient to determine the role of this variant in disease. Therefore, it has been classified as a Variant of Uncertain Significance. This variant is present in population databases (rs752807396, gnomAD 0.01%). This sequence change replaces glycine, which is neutral and non-polar, with valine, which is neutral and non-polar, at codon 3599 of the PCLO protein (p.Gly3599Val).

NM_033026.6(PCLO):c.10796G>T (p.Gly3599Val)

Gene: PCLO (piccolo presynaptic cytomatrix protein; minus strand). Cytogenetic location: 7q21.11.
Variant type: single nucleotide variant.
Coding change: c.10796G>T on transcript NM_033026.6 (MANE Select); coding-DNA position 10796, G replaced by T.
Protein change: p.Gly3599Val; replaces glycine 3599 with valine.
Molecular consequence: missense variant.
Genome position (GRCh38, 1-based): chr7:82,949,792, C>A on the plus strand (G>T on the coding strand, the complement: PCLO is on the minus strand). VCF-style: chr7-82949792-C-A. GRCh37 (hg19) VCF-style: chr7-82579108-C-A.
Other names: c.10796G>T, p.Gly3599Val (NM_014510.3); short protein forms G3599V.
Identifiers: ClinVar variation 1397677 (VCV001397677.8), dbSNP rs752807396, ClinGen allele CA4319681.
Genomic context (GRCh38, chr7:82,949,792, plus strand): 5'-GATTTGGGTGGGGAAGGAGCCAGCTGTACTGTGGAATCTGCCCGGAGGTGAGATGAATAA[C>A]CAATCTCTAAAGGTGTTGGGCGTTTCTTGTCTTTGGGTGGAGATGTGGCACTCAGATATT-3'
Protein context (NP_149015.2, residues 3589-3609): DKKRPTPLEI[Gly3599Val]YSSHLRADST